The following is an entry in ClinVar:

NM_001077415.3(CRELD1):c.1249A>G (p.Ile417Val)

Gene: CRELD1 (CRELD disulfide isomerase 1; plus strand). Cytogenetic location: 3p25.3.
Variant type: single nucleotide variant.
Coding change: c.1249A>G on transcript NM_001077415.3 (MANE Select); coding-DNA position 1249, A replaced by G.
Protein change: p.Ile417Val; replaces isoleucine 417 with valine.
Molecular consequence: missense variant. On other transcripts: 3 prime UTR variant (3), non-coding transcript variant (3).
Genome position (GRCh38, 1-based): chr3:9,944,565, A>G. VCF-style: chr3-9944565-A-G. GRCh37 (hg19) VCF-style: chr3-9986249-A-G.
Other names: c.1249A>G (NM_015513.4); c.*174A>G (NM_001031717.4, NM_001374317.1, NM_001374318.1); c.1249A>G, p.Ile417Val (NM_001374316.1, NM_015513.6); c.1165A>G, p.Ile389Val (NM_001374319.1, NM_001374320.1); short protein forms I389V, I417V.
Identifiers: ClinVar variation 1285195 (VCV001285195.37), dbSNP rs115361983, ClinGen allele CA2248021.

ClinVar aggregate classification (germline): Benign/Likely benign. Review status: criteria provided, multiple submitters, no conflicts (2 of 4 stars). 6 submissions from 6 submitters: Benign (1); Likely benign (3). 2 of the submissions do not count toward it. Last evaluated 2026-08-13.

Conditions:
CRELD1-related disorder. Also called: CRELD1-related condition.

Allele frequency attached by ClinVar (database versions not stated): TOPMed 0.00141; gnomAD 0.00147 and 0.00158; 1000 Genomes Project 30x 0.00172; 1000 Genomes Project 0.00180; ESP Exome Variant Server 0.00192; gnomAD exomes 0.00221 and 0.00224; ExAC 0.00268.

Submissions (6):

PreventionGenetics, part of Exact Sciences
Classification: Likely benign for CRELD1-related condition. Last evaluated: 2026-08-13. Review status: criteria provided, single submitter. Criteria: ACMG Guidelines, 2015. Collection method: clinical testing. Allele origin: germline.
Comment: This variant is classified as likely benign based on ACMG/AMP sequence variant interpretation guidelines (Richards et al. 2015 PMID: 25741868, with internal and published modifications).

CeGaT Center for Human Genetics Tuebingen
Classification: Likely benign. Last evaluated: 2026-06-01. Review status: criteria provided, single submitter. Criteria: CeGaT Center For Human Genetics Tuebingen Variant Classification Criteria Version 2. Collection method: clinical testing. Allele origin: germline. Affected: yes. Observed: 6 variant alleles.
Comment: CRELD1: BP4, BS2

Blueprint Genetics
Classification: Likely benign. Last evaluated: 2024-11-20. Review status: criteria provided, single submitter. Criteria: ACMG Guidelines, 2015. Collection method: clinical testing. Allele origin: germline.

Breakthrough Genomics
Classification: Benign. Review status: criteria provided, single submitter. Criteria: ACMG Guidelines, 2015. Collection method: not provided. Allele origin: germline. Inheritance: Autosomal dominant inheritance. Affected: yes.

Genome Diagnostics Laboratory, University Medical Center Utrecht
Classification: Benign. Review status: no assertion criteria provided. Collection method: clinical testing. Allele origin: germline. Affected: yes. Study: VKGL Data-share Consensus. Not counted in ClinVar's aggregate classification.

Joint Genome Diagnostic Labs from Nijmegen and Maastricht, Radboudumc and MUMC+
Classification: Benign. Review status: no assertion criteria provided. Collection method: clinical testing. Allele origin: germline. Affected: yes. Study: VKGL Data-share Consensus. Not counted in ClinVar's aggregate classification.